The following is an entry in ClinVar:

ClinVar aggregate classification (germline): Pathogenic (1 of 4 stars; one submission).

Conditions:
Progeroid and marfanoid aspect-lipodystrophy syndrome. Also called: MARFANOID-PROGEROID-LIPODYSTROPHY SYNDROME; MARFANOID-PROGEROID SYNDROME; MARFAN-PROGEROID-LIPODYSTROPHY SYNDROME; Marfan lipodystrophy syndrome. Identifiers: Orphanet 300382, MedGen C4310796, MONDO:0014831, OMIM 616914.

Submission:

Greenwood Genetic Center Diagnostic Laboratories, Greenwood Genetic Center
Classification: Pathogenic for Progeroid and marfanoid aspect-lipodystrophy syndrome. Last evaluated: 2024-02-20. Review status: criteria provided, single submitter. Criteria: ACMG Guidelines, 2015. Collection method: clinical testing. Allele origin: germline. Affected: yes.
Comment: PVS1, PS2, PM2

NM_000138.5(FBN1):c.5112_5146del (p.Thr1705fs)

Gene: FBN1 (fibrillin 1; minus strand). Cytogenetic location: 15q21.1.
Variant type: Deletion.
Coding change: c.5112_5146del on transcript NM_000138.5 (MANE Select); coding-DNA positions 5112 to 5146, 35 bases deleted.
Protein change: p.Thr1705fs; shifts the reading frame from threonine 1705.
Molecular consequence: frameshift variant.
Genome position (GRCh38, 1-based): chr15:48,463,160-48,463,194, 35 bases deleted; deleting any 35 consecutive bases within chr15:48,463,160-48,463,198 gives the same sequence; the c. name uses the placement nearest the transcript's 3' end. GRCh37 (hg19): chr15:48,755,361-48,755,395.
Other names: c.5108_5142del35, p.Thr1705Glufs (NM_000138.4); c.5112_5146del, p.Thr1705fs (NM_001406716.1); short protein forms T1705fs.
Identifiers: ClinVar variation 3235751 (VCV003235751.1), dbSNP rs2505491093, ClinGen allele CA2825002267.